The following is an entry in ClinVar:

NM_001349206.2(LPIN1):c.1172C>T (p.Ala391Val)

Gene: LPIN1 (lipin 1; plus strand). Cytogenetic location: 2p25.1.
Variant type: single nucleotide variant.
Coding change: c.1172C>T on transcript NM_001349206.2 (MANE Select); coding-DNA position 1172, C replaced by T.
Protein change: p.Ala391Val; replaces alanine 391 with valine.
Molecular consequence: missense variant. On other transcripts: non-coding transcript variant (1).
Genome position (GRCh38, 1-based): chr2:11,782,415, C>T. VCF-style: chr2-11782415-C-T. GRCh37 (hg19) VCF-style: chr2-11922541-C-T.
Other names: c.1082C>T, p.Ala361Val (NM_001261427.3); c.1319C>T, p.Ala440Val (NM_001261428.3); c.1064C>T, p.Ala355Val (NM_001349199.2, NM_001349200.2, NM_001349201.2 and 1 more transcripts); c.1169C>T, p.Ala390Val (NM_001349202.2, NM_001349203.2); c.1172C>T, p.Ala391Val (NM_001349204.2, NM_001349205.2); c.1262C>T, p.Ala421Val (NM_001349207.2); c.1211C>T, p.Ala404Val (NM_001349208.2); c.1064C>T (NM_145693.1); short protein forms A355V, A391V, A440V, A404V, A421V, A390V, A361V.
Identifiers: ClinVar variation 2159169 (VCV002159169.4), dbSNP rs369351154, ClinGen allele CA1533617.
Genomic context (GRCh38, chr2:11,782,415, plus strand): 5'-AGCCTCAGACAGAAATGCAGTTTGTGAATGAAGAAGACCTGGAGACCTTAGGAGCAGCAG[C>T]GCCACTCTTGCCCATGATCGAGGAGCTCAAACCCCCCTCTGCCAGTGTAGTCCAGACAGC-3'
Protein context (NP_001336135.1, residues 381-401): EEDLETLGAA[Ala391Val]PLLPMIEELK

ClinVar aggregate classification (germline): Uncertain significance. Review status: criteria provided, multiple submitters, no conflicts (2 of 4 stars). 2 submissions from 2 submitters: Uncertain significance (2). Last evaluated 2025-06-10.

Conditions:
Inborn genetic diseases. Identifiers: MedGen C0950123, MeSH D030342.

Allele frequency attached by ClinVar (database versions not stated): TOPMed 0.00002; gnomAD 0.00001; ExAC 0.00002; gnomAD exomes 0.00001; ESP Exome Variant Server 0.00008.
gnomAD v4.1: 22 of 1,614,070 alleles (0.0014%); highest among the groups gnomAD compares: Non-Finnish European, 0.0017%; no homozygotes.

Submissions (2):

Ambry Genetics
Classification: Uncertain significance for Inborn genetic diseases. Last evaluated: 2025-06-10. Review status: criteria provided, single submitter. Criteria: Ambry Variant Classification Scheme 2023. Collection method: clinical testing. Allele origin: germline.

Labcorp Genetics (formerly Invitae), Labcorp
Classification: Uncertain significance. Last evaluated: 2022-01-21. Review status: criteria provided, single submitter. Criteria: Invitae Variant Classification Sherloc (09022015). Collection method: clinical testing. Allele origin: germline.
Comment: This sequence change replaces alanine, which is neutral and non-polar, with valine, which is neutral and non-polar, at codon 355 of the LPIN1 protein (p.Ala355Val). This variant is present in population databases (rs369351154, gnomAD 0.007%). This variant has not been reported in the literature in individuals affected with LPIN1-related conditions. Algorithms developed to predict the effect of missense changes on protein structure and function (SIFT, PolyPhen-2, Align-GVGD) all suggest that this variant is likely to be tolerated. In summary, the available evidence is currently insufficient to determine the role of this variant in disease. Therefore, it has been classified as a Variant of Uncertain Significance.